The following is an entry in ClinVar:

ClinVar aggregate classification (germline): Uncertain significance. Review status: criteria provided, multiple submitters, no conflicts (2 of 4 stars). 2 submissions from 2 submitters: Uncertain significance (2). Last evaluated 2025-05-19.

Conditions:
Brugada syndrome 8 (BRGDA8). Identifiers: Orphanet 130, MedGen C2751083, MONDO:0013148, OMIM 613123.

Allele frequency attached by ClinVar (database versions not stated): gnomAD exomes below 0.00001.
gnomAD v4.1: 2 of 1,614,036 alleles (0.00012%); highest among the groups gnomAD compares: Non-Finnish European, 0.000085%; no homozygotes.

Submissions (2):

Labcorp Genetics (formerly Invitae), Labcorp
Classification: Uncertain significance for Brugada syndrome 8. Last evaluated: 2025-05-19. Review status: criteria provided, single submitter. Criteria: Invitae Variant Classification Sherloc (09022015). Collection method: clinical testing. Allele origin: germline.
Comment: This sequence change replaces arginine, which is basic and polar, with histidine, which is basic and polar, at codon 393 of the HCN4 protein (p.Arg393His). This variant is not present in population databases (gnomAD no frequency). This missense change has been observed in individual(s) with sick sinus syndrome (PMID: 28104484). ClinVar contains an entry for this variant (Variation ID: 190780). Invitae Evidence Modeling of protein sequence and biophysical properties (such as structural, functional, and spatial information, amino acid conservation, physicochemical variation, residue mobility, and thermodynamic stability) indicates that this missense variant is expected to disrupt HCN4 protein function with a positive predictive value of 95%. Experimental studies have shown that this missense change affects HCN4 function (PMID: 28104484). In summary, the available evidence is currently insufficient to determine the role of this variant in disease. Therefore, it has been classified as a Variant of Uncertain Significance.

GeneDx
Classification: Uncertain significance. Last evaluated: 2014-06-13. Review status: criteria provided, single submitter. Criteria: GeneDx Variant Classification (06012015). Collection method: clinical testing. Allele origin: germline. Affected: yes.
Comment: p.Arg393His (CGC>CAC): c.1178 G>A in exon 2 of the HCN4 gene (NM_005477.2). The R393H variant has not been published as a mutation or as a benign polymorphism to our knowledge. The R393H variant was not observed in approximately 6,500 individuals of European and African American ancestry in the NHLBI Exome Sequencing Project, indicating it is not a common benign variant in these populations. In addition, this substitution occurs at a position that is completely conserved across species. In silico analysis predicts this variant is probably damaging to the protein structure/function. Furthermore, a missense mutation in a nearby residue (L385P) has been reported in association with atrial fibrilation, supporting the functional importance of this region of the protein. Nevertheless, the R393H variant is a conservative amino acid substitution, which is not likely to impact secondary protein structure as these residues share similar properties.Therefore, based on the currently available information, it is unclear whether this variant is a pathogenic mutation or a rare benign variant. The variant is found in ARRHYTHMIA panel(s).

Literature cited by the submitters: PubMed 28104484 (cited by Labcorp Genetics (formerly Invitae), Labcorp).

NM_005477.3(HCN4):c.1178G>A (p.Arg393His)

Genes: HCN4 (hyperpolarization activated cyclic nucleotide gated potassium channel 4; minus strand), LOC105370890 (uncharacterized LOC105370890; plus strand). Cytogenetic location: 15q24.1.
Variant type: single nucleotide variant.
Coding change: c.1178G>A on transcript NM_005477.3 (MANE Select); coding-DNA position 1178, G replaced by A.
Protein change: p.Arg393His; replaces arginine 393 with histidine.
Molecular consequence: missense variant.
Genome position (GRCh38, 1-based): chr15:73,343,416, C>T on the plus strand (G>A on the coding strand, the complement: HCN4 is on the minus strand). VCF-style: chr15-73343416-C-T. GRCh37 (hg19) VCF-style: chr15-73635757-C-T.
Other names: p.R393H:CGC>CAC; short protein forms R393H.
Identifiers: ClinVar variation 190780 (VCV000190780.12), dbSNP rs786205804, ClinGen allele CA301960.
Genomic context (GRCh38, chr15:73,343,416, plus strand): 5'-CCCCCAAGAGGTTTGCACTGACCACTTACCTCTTCCCACTGGTGAATATATCGAATGAGG[C>T]GGGAGAGGCGTAACAGGCGTAAGAGGCTGAGGATCTTCGTGAAGCGGACAATGCGCAGGG-3'
Protein context (NP_005468.1, residues 383-403): LSLLRLLRLS[Arg393His]LIRYIHQWEE